The following is an entry in ClinVar:

ClinVar aggregate classification (germline): Uncertain significance (1 of 4 stars; one submission).

Conditions:
Neuropathy, hereditary sensory and autonomic, type 2A (HSAN2A). Also called: ACROOSTEOLYSIS, GIACCAI TYPE; ACROOSTEOLYSIS, NEUROGENIC; WNK1-Related HSAN2 (HSAN2A); MORVAN DISEASE; NEUROPATHY, CONGENITAL SENSORY; NEUROPATHY, HEREDITARY SENSORY RADICULAR, AUTOSOMAL RECESSIVE. Identifiers: Orphanet 970, MedGen C2752089, MONDO:0024309, OMIM 201300.
Generalized epilepsy with febrile seizures plus, type 7 (GEFSP7). Also called: GEFS+, TYPE 7. Identifiers: Orphanet 36387, MedGen C2751778, MONDO:0013470, OMIM 613863.

Submission:

Labcorp Genetics (formerly Invitae), Labcorp
Classification: Uncertain significance for Neuropathy, hereditary sensory and autonomic, type 2A; Generalized epilepsy with febrile seizures plus, type 7. Last evaluated: 2024-05-13. Review status: criteria provided, single submitter. Criteria: Invitae Variant Classification Sherloc (09022015). Collection method: clinical testing. Allele origin: germline.
Comment: This sequence change replaces serine, which is neutral and polar, with glycine, which is neutral and non-polar, at codon 1949 of the SCN9A protein (p.Ser1949Gly). This variant is not present in population databases (gnomAD no frequency). This variant has not been reported in the literature in individuals affected with SCN9A-related conditions. Advanced modeling of protein sequence and biophysical properties (such as structural, functional, and spatial information, amino acid conservation, physicochemical variation, residue mobility, and thermodynamic stability) has been performed at Invitae for this missense variant, however the output from this modeling did not meet the statistical confidence thresholds required to predict the impact of this variant on SCN9A protein function. In summary, the available evidence is currently insufficient to determine the role of this variant in disease. Therefore, it has been classified as a Variant of Uncertain Significance.

NM_001365536.1(SCN9A):c.5878A>G (p.Ser1960Gly)

Genes: SCN1A-AS1 (SCN1A and SCN9A antisense RNA 1; plus strand), SCN9A (sodium voltage-gated channel alpha subunit 9; minus strand). Cytogenetic location: 2q24.3.
Variant type: single nucleotide variant.
Coding change: c.5878A>G on transcript NM_001365536.1 (MANE Select); coding-DNA position 5878, A replaced by G.
Protein change: p.Ser1960Gly; replaces serine 1960 with glycine.
Molecular consequence: missense variant.
Genome position (GRCh38, 1-based): chr2:166,198,761, T>C on the plus strand (A>G on the coding strand, the complement: SCN9A is on the minus strand). VCF-style: chr2-166198761-T-C. GRCh37 (hg19) VCF-style: chr2-167055271-T-C.
Other names: c.5845A>G, p.Ser1949Gly (NM_002977.4); short protein forms S1949G, S1960G.
Identifiers: ClinVar variation 3753678 (VCV003753678.2).
Genomic context (GRCh38, chr2:166,198,761, plus strand): 5'-CTTTGTCTTCCTTTTCTGTTCTGTCTTGTTCATATTTCTCTTTGTCTGGCTTTGTTACAC[T>C]ATCATATGAAGGTGGAGAGGTGGTGGATGAAGTGGCATCTGTTTTTTCTGGACTTGAGTT-3'
Protein context (NP_001352465.1, residues 1950-1970): SSTTSPPSYD[Ser1960Gly]VTKPDKEKYE